The following is an entry in ClinVar:

ClinVar aggregate classification (germline): Conflicting classifications of pathogenicity. Review status: criteria provided, conflicting classifications (1 of 4 stars). 3 submissions from 3 submitters: Uncertain significance (2); Likely benign (1). Last evaluated 2024-09-04.

Conditions:
Inborn genetic diseases. Identifiers: MedGen C0950123, MeSH D030342.

Allele frequency attached by ClinVar (database versions not stated): gnomAD exomes below 0.00001 and 0.00001; ExAC 0.00001; TOPMed 0.00001.

Submissions (3):

Blueprint Genetics
Classification: Likely benign. Last evaluated: 2024-09-04. Review status: criteria provided, single submitter. Criteria: ACMG Guidelines, 2015. Collection method: clinical testing. Allele origin: germline.

Labcorp Genetics (formerly Invitae), Labcorp
Classification: Uncertain significance. Last evaluated: 2024-07-08. Review status: criteria provided, single submitter. Criteria: Invitae Variant Classification Sherloc (09022015). Collection method: clinical testing. Allele origin: germline.
Comment: This sequence change replaces aspartic acid, which is acidic and polar, with glycine, which is neutral and non-polar, at codon 108 of the SC5D protein (p.Asp108Gly). This variant is present in population databases (rs772599957, gnomAD 0.0009%). This variant has not been reported in the literature in individuals affected with SC5D-related conditions. ClinVar contains an entry for this variant (Variation ID: 1481682). Advanced modeling of protein sequence and biophysical properties (such as structural, functional, and spatial information, amino acid conservation, physicochemical variation, residue mobility, and thermodynamic stability) performed at Invitae indicates that this missense variant is not expected to disrupt SC5D protein function with a negative predictive value of 80%. In summary, the available evidence is currently insufficient to determine the role of this variant in disease. Therefore, it has been classified as a Variant of Uncertain Significance.

Ambry Genetics
Classification: Uncertain significance for Inborn genetic diseases. Last evaluated: 2021-10-12. Review status: criteria provided, single submitter. Criteria: Ambry Variant Classification Scheme 2023. Collection method: clinical testing. Allele origin: germline.

NM_006918.5(SC5D):c.323A>G (p.Asp108Gly)

Gene: SC5D (sterol-C5-desaturase; plus strand). Cytogenetic location: 11q24.1.
Variant type: single nucleotide variant.
Coding change: c.323A>G on transcript NM_006918.5 (MANE Select); coding-DNA position 323, A replaced by G.
Protein change: p.Asp108Gly; replaces aspartic acid 108 with glycine.
Molecular consequence: missense variant.
Genome position (GRCh38, 1-based): chr11:121,304,473, A>G. VCF-style: chr11-121304473-A-G. GRCh37 (hg19) VCF-style: chr11-121175182-A-G.
Other names: c.323A>G, p.Asp108Gly (NM_001024956.3); c.323A>G (NM_006918.4); short protein forms D108G.
Identifiers: ClinVar variation 1481682 (VCV001481682.9), dbSNP rs772599957, ClinGen allele CA6328090.